The following is an entry in ClinVar:

NM_032383.5(HPS3):c.592G>A (p.Val198Ile)

Gene: HPS3 (HPS3 biogenesis of lysosomal organelles complex 2 subunit 1; plus strand). Cytogenetic location: 3q24.
Variant type: single nucleotide variant.
Coding change: c.592G>A on transcript NM_032383.5 (MANE Select); coding-DNA position 592, G replaced by A.
Protein change: p.Val198Ile; replaces valine 198 with isoleucine.
Molecular consequence: missense variant. On other transcripts: intron variant (1).
Genome position (GRCh38, 1-based): chr3:149,140,378, G>A. VCF-style: chr3-149140378-G-A. GRCh37 (hg19) VCF-style: chr3-148858165-G-A.
Other names: c.218-639G>A (NM_001308258.2); short protein forms V198I.
Identifiers: ClinVar variation 902244 (VCV000902244.14), dbSNP rs144990171, ClinGen allele CA2659837.

ClinVar aggregate classification (germline): Uncertain significance. Review status: criteria provided, multiple submitters, no conflicts (2 of 4 stars). 8 submissions from 8 submitters: Uncertain significance (8). Last evaluated 2025-10-10.

Conditions:
Inborn genetic diseases. Identifiers: MedGen C0950123, MeSH D030342.
Hermansky-Pudlak syndrome 3 (HPS3). Identifiers: Orphanet 231512, Orphanet 79430, MedGen C3888001, MONDO:0013555, OMIM 614072.

Allele frequency attached by ClinVar (database versions not stated): 1000 Genomes Project 0.00020; ExAC 0.00025; gnomAD exomes 0.00027 and 0.00038; TOPMed 0.00035; gnomAD 0.00038 and 0.00039; ESP Exome Variant Server 0.00054; 1000 Genomes Project 30x 0.00062.
gnomAD v4.1: 613 of 1,610,312 alleles (0.038%); highest among the groups gnomAD compares: Non-Finnish European, 0.049%; no homozygotes.

Submissions (8):

Women's Health and Genetics/Laboratory Corporation of America, LabCorp
Classification: Uncertain significance. Last evaluated: 2025-10-10. Review status: criteria provided, single submitter. Criteria: LabCorp Variant Classification Summary - May 2015. Collection method: clinical testing. Allele origin: germline.
Comment: Variant summary: HPS3 c.592G>A (p.Val198Ile) results in a conservative amino acid change in the encoded protein sequence. Algorithms developed to predict the effect of missense changes on protein structure and function are either unavailable or do not agree on the potential impact of this missense change. The variant allele was found at a frequency of 0.00027 in 248922 control chromosomes. This frequency is not significantly higher than estimated for disease-causing variants in HPS3, allowing no conclusion about variant significance. To our knowledge, no occurrence of c.592G>A in individuals affected with HPS3-related conditions and no experimental evidence demonstrating its impact on protein function have been reported. ClinVar contains an entry for this variant (Variation ID: 902244). Based on the evidence outlined above, the variant was classified as uncertain significance.

Blueprint Genetics
Classification: Uncertain significance. Last evaluated: 2024-10-23. Review status: criteria provided, single submitter. Criteria: ACMG Guidelines, 2015. Collection method: clinical testing. Allele origin: germline.

Ambry Genetics
Classification: Uncertain significance for Inborn genetic diseases. Last evaluated: 2024-06-07. Review status: criteria provided, single submitter. Criteria: Ambry Variant Classification Scheme 2023. Collection method: clinical testing. Allele origin: germline.

GeneDx
Classification: Uncertain significance. Last evaluated: 2023-04-30. Review status: criteria provided, single submitter. Criteria: GeneDx Variant Classification Process June 2021. Collection method: clinical testing. Allele origin: germline. Affected: yes.
Comment: In silico analysis supports that this missense variant does not alter protein structure/function; Has not been previously published as pathogenic or benign to our knowledge

Labcorp Genetics (formerly Invitae), Labcorp
Classification: Uncertain significance. Last evaluated: 2022-10-10. Review status: criteria provided, single submitter. Criteria: Invitae Variant Classification Sherloc (09022015). Collection method: clinical testing. Allele origin: germline.
Comment: This sequence change replaces valine, which is neutral and non-polar, with isoleucine, which is neutral and non-polar, at codon 198 of the HPS3 protein (p.Val198Ile). This variant is present in population databases (rs144990171, gnomAD 0.05%). This variant has not been reported in the literature in individuals affected with HPS3-related conditions. ClinVar contains an entry for this variant (Variation ID: 902244). Advanced modeling of protein sequence and biophysical properties (such as structural, functional, and spatial information, amino acid conservation, physicochemical variation, residue mobility, and thermodynamic stability) performed at Invitae indicates that this missense variant is not expected to disrupt HPS3 protein function. In summary, the available evidence is currently insufficient to determine the role of this variant in disease. Therefore, it has been classified as a Variant of Uncertain Significance.

Department of Pathology and Laboratory Medicine, Sinai Health System
Classification: Uncertain significance for Hermansky-Pudlak syndrome 3. Last evaluated: 2022-01-31. Review status: criteria provided, single submitter. Criteria: ACMG Guidelines, 2015. Collection method: research. Allele origin: germline.

Revvity Omics, Revvity
Classification: Uncertain significance for Hermansky-Pudlak syndrome 3. Last evaluated: 2021-02-17. Review status: criteria provided, single submitter. Criteria: ACMG Guidelines, 2015. Collection method: clinical testing. Allele origin: germline.

Illumina Laboratory Services, Illumina
Classification: Uncertain significance for Hermansky-Pudlak syndrome 3. Last evaluated: 2018-01-12. Review status: criteria provided, single submitter. Criteria: ICSL Variant Classification Criteria 13 December 2019. Collection method: clinical testing. Allele origin: germline.